The following is an entry in ClinVar:

ClinVar aggregate classification (germline): Pathogenic. Review status: reviewed by expert panel (3 of 4 stars). 4 submissions from 4 submitters: Pathogenic (1). 3 of the submissions do not count toward it. Last evaluated 2016-09-08.

Conditions:
Hereditary cancer-predisposing syndrome. Also called: Hereditary Cancer Syndrome; Tumor predisposition; Hereditary neoplastic syndrome; Neoplastic Syndromes, Hereditary. Identifiers: Orphanet 140162, MedGen C0027672, MeSH D009386, MONDO:0015356.
Hereditary breast ovarian cancer syndrome. Also called: BRCA1- and BRCA2-Associated Hereditary Breast and Ovarian Cancer; Hereditary breast and ovarian cancer syndrome (HBOC); Breast and ovarian cancer; Hereditary breast and ovarian cancer; Hereditary breast and ovarian cancer syndrome; Hereditary breast and/or ovarian cancer syndrome. Identifiers: Orphanet 145, MedGen C0677776, MeSH D061325, MONDO:0003582. Disease mechanism: loss of function.
Breast-ovarian cancer, familial, susceptibility to, 2 (BROVCA2). Also called: BRCA2 Hereditary Breast and Ovarian Cancer. Identifiers: Orphanet 145, MedGen C2675520, MONDO:0012933, OMIM 612555. Disease mechanism: loss of function.

Submissions (4):

Evidence-based Network for the Interpretation of Germline Mutant Alleles (ENIGMA)
Classification: Pathogenic for Breast-ovarian cancer, familial, susceptibility to, 2. Last evaluated: 2016-09-08. Review status: reviewed by expert panel. Criteria: ENIGMA BRCA1/2 Classification Criteria (2015). Collection method: curation. Allele origin: germline.
Comment: Variant allele predicted to encode a truncated non-functional protein.

Ambry Genetics
Classification: Pathogenic for Hereditary cancer-predisposing syndrome. Last evaluated: 2022-04-06. Review status: criteria provided, single submitter. Criteria: Ambry Variant Classification Scheme 2023. Collection method: clinical testing. Allele origin: germline. Not counted in ClinVar's aggregate classification.
Comment: The c.5723_5727delTAGAT pathogenic mutation, located in coding exon 10 of the BRCA2 gene, results from a deletion of 5 nucleotides at nucleotide positions 5723 to 5727, causing a translational frameshift with a predicted alternate stop codon (p.L1908Qfs*2). This variant is considered to be rare based on population cohorts in the Genome Aggregation Database (gnomAD). This alteration is expected to result in loss of function by premature protein truncation or nonsense-mediated mRNA decay. As such, this alteration is interpreted as a disease-causing mutation.

Labcorp Genetics (formerly Invitae), Labcorp
Classification: Pathogenic for Hereditary breast ovarian cancer syndrome. Last evaluated: 2017-10-30. Review status: criteria provided, single submitter. Criteria: Invitae Variant Classification Sherloc (09022015). Collection method: clinical testing. Allele origin: germline. Not counted in ClinVar's aggregate classification.
Comment: For these reasons, this variant has been classified as Pathogenic. Loss-of-function variants in BRCA2 are known to be pathogenic (PMID: 20104584). This variant has not been reported in the literature in individuals with BRCA2-related disease. ClinVar contains an entry for this variant (Variation ID: 193789). This variant is not present in population databases (ExAC no frequency). This sequence change creates a premature translational stop signal (p.Leu1908Glnfs*2) in the BRCA2 gene. It is expected to result in an absent or disrupted protein product.

Eurofins Ntd Llc (ga)
Classification: Pathogenic. Last evaluated: 2015-01-23. Review status: criteria provided, single submitter. Criteria: EGL Classification Definitions 2015. Collection method: clinical testing. Allele origin: germline. Observed: 2 variant alleles, 2 heterozygotes. Not counted in ClinVar's aggregate classification.

Literature cited by the submitters: PubMed 20104584 (cited by Labcorp Genetics (formerly Invitae), Labcorp).

NM_000059.4(BRCA2):c.5723_5727del (p.Leu1908fs)

Gene: BRCA2 (BRCA2 DNA repair associated; plus strand). Cytogenetic location: 13q13.1.
Variant type: Deletion.
Coding change: c.5723_5727del on transcript NM_000059.4 (MANE Select); coding-DNA positions 5723 to 5727, 5 bases deleted (TAGAT; older notation c.5723_5727delTAGAT).
Protein change: p.Leu1908fs; shifts the reading frame from leucine 1908.
Molecular consequence: frameshift variant.
Genome position (GRCh38, 1-based): chr13:32,340,078-32,340,082, TAGAT deleted. VCF-style (leftmost placement, unchanged base first): chr13-32340077-CTAGAT-C. GRCh37 (hg19) VCF-style: chr13-32914214-CTAGAT-C.
Other names: c.5723_5727delTAGAT (NM_000059.3); short protein forms L1908fs.
Identifiers: ClinVar variation 193789 (VCV000193789.15), dbSNP rs794727014, ClinGen allele CA023049.